The following is an entry in ClinVar:

NM_003922.4(HERC1):c.647C>G (p.Pro216Arg)

Gene: HERC1 (HECT and RLD domain containing E3 ubiquitin protein ligase family member 1; minus strand). Cytogenetic location: 15q22.31.
Variant type: single nucleotide variant.
Coding change: c.647C>G on transcript NM_003922.4 (MANE Select); coding-DNA position 647, C replaced by G.
Protein change: p.Pro216Arg; replaces proline 216 with arginine.
Molecular consequence: missense variant.
Genome position (GRCh38, 1-based): chr15:63,774,977, G>C on the plus strand (C>G on the coding strand, the complement: HERC1 is on the minus strand). VCF-style: chr15-63774977-G-C. GRCh37 (hg19) VCF-style: chr15-64067176-G-C.
Other names: short protein forms P216R.
Identifiers: ClinVar variation 3360291 (VCV003360291.1).

ClinVar aggregate classification (germline): Uncertain significance (1 of 4 stars; one submission).

Submission:

GeneDx
Classification: Uncertain significance. Last evaluated: 2023-06-23. Review status: criteria provided, single submitter. Criteria: GeneDx Variant Classification Process June 2021. Collection method: clinical testing. Allele origin: germline. Affected: yes.
Comment: Not observed at significant frequency in large population cohorts (gnomAD); In silico analysis supports that this missense variant has a deleterious effect on protein structure/function; Has not been previously published as pathogenic or benign to our knowledge